The following is an entry in ClinVar:

NM_000016.6(ACADM):c.371A>G (p.Glu124Gly)

Gene: ACADM (acyl-CoA dehydrogenase medium chain; plus strand). Cytogenetic location: 1p31.1.
Variant type: single nucleotide variant.
Coding change: c.371A>G on transcript NM_000016.6 (MANE Select); coding-DNA position 371, A replaced by G.
Protein change: p.Glu124Gly; replaces glutamic acid 124 with glycine.
Molecular consequence: missense variant. On other transcripts: intron variant (1).
Genome position (GRCh38, 1-based): chr1:75,733,612, A>G. VCF-style: chr1-75733612-A-G. GRCh37 (hg19) VCF-style: chr1-76199297-A-G.
Other names: c.383A>G, p.Glu128Gly (NM_001127328.3); c.263A>G, p.Glu88Gly (NM_001286042.2); c.470A>G, p.Glu157Gly (NM_001286043.2); c.-100+690A>G (NM_001286044.2); short protein forms E157G, E124G, E128G, E88G.
Identifiers: ClinVar variation 1472225 (VCV001472225.8), dbSNP rs759305231, ClinGen allele CA913071.

ClinVar aggregate classification (germline): Uncertain significance (1 of 4 stars; one submission).

Conditions:
Medium-chain acyl-coenzyme A dehydrogenase deficiency (ACADMD). Also called: MCADH DEFICIENCY; MCADD; MCAD Deficiency; ACADM DEFICIENCY; CARNITINE DEFICIENCY SECONDARY TO MEDIUM-CHAIN ACYL-CoA DEHYDROGENASE DEFICIENCY; Medium chain acyl-CoA dehydrogenase deficiency. Identifiers: Orphanet 42, MedGen C0220710, MONDO:0008721, OMIM 201450.

Allele frequency attached by ClinVar (database versions not stated): gnomAD exomes below 0.00001; ExAC 0.00001.
gnomAD v4.1: 1 of 1,613,670 alleles (0.000062%); highest among the groups gnomAD compares: Non-Finnish European, 0.000085%; no homozygotes.

Submission:

Labcorp Genetics (formerly Invitae), Labcorp
Classification: Uncertain significance for Medium-chain acyl-coenzyme A dehydrogenase deficiency. Last evaluated: 2025-07-10. Review status: criteria provided, single submitter. Criteria: Invitae Variant Classification Sherloc (09022015). Collection method: clinical testing. Allele origin: germline.
Comment: This sequence change replaces glutamic acid, which is acidic and polar, with glycine, which is neutral and non-polar, at codon 124 of the ACADM protein (p.Glu124Gly). This variant is present in population databases (rs759305231, gnomAD 0.0009%). This variant has not been reported in the literature in individuals affected with ACADM-related conditions. ClinVar contains an entry for this variant (Variation ID: 1472225). Invitae Evidence Modeling of protein sequence and biophysical properties (such as structural, functional, and spatial information, amino acid conservation, physicochemical variation, residue mobility, and thermodynamic stability) indicates that this missense variant is not expected to disrupt ACADM protein function with a negative predictive value of 80%. In summary, the available evidence is currently insufficient to determine the role of this variant in disease. Therefore, it has been classified as a Variant of Uncertain Significance.